The following is an entry in ClinVar:

NM_152703.5(SAMD9L):c.3976G>A (p.Glu1326Lys)

Gene: SAMD9L (sterile alpha motif domain containing 9 like; minus strand). Cytogenetic location: 7q21.2.
Variant type: single nucleotide variant.
Coding change: c.3976G>A on transcript NM_152703.5 (MANE Select); coding-DNA position 3976, G replaced by A.
Protein change: p.Glu1326Lys; replaces glutamic acid 1326 with lysine.
Molecular consequence: missense variant.
Genome position (GRCh38, 1-based): chr7:93,131,996, C>T on the plus strand (G>A on the coding strand, the complement: SAMD9L is on the minus strand). VCF-style: chr7-93131996-C-T. GRCh37 (hg19) VCF-style: chr7-92761309-C-T.
Other names: c.3976G>A (NM_152703.2); c.3976G>A, p.Glu1326Lys (NM_001303496.3, NM_001303497.3, NM_001303498.3 and 5 more transcripts); short protein forms E1326K.
Identifiers: ClinVar variation 2879794 (VCV002879794.5), dbSNP rs775595882, ClinGen allele CA4343376.

ClinVar aggregate classification (germline): Uncertain significance. Review status: criteria provided, multiple submitters, no conflicts (2 of 4 stars). 2 submissions from 2 submitters: Uncertain significance (2). Last evaluated 2026-01-23.

Conditions:
Inborn genetic diseases. Identifiers: MedGen C0950123, MeSH D030342.

Allele frequency attached by ClinVar (database versions not stated): gnomAD exomes 0.00001; gnomAD 0.00001; ExAC 0.00002; TOPMed 0.00002.
gnomAD v4.1: 9 of 1,612,426 alleles (0.00056%); highest among the groups gnomAD compares: Admixed American, 0.01%; no homozygotes.

Submissions (2):

Labcorp Genetics (formerly Invitae), Labcorp
Classification: Uncertain significance. Last evaluated: 2026-01-23. Review status: criteria provided, single submitter. Criteria: Invitae Variant Classification Sherloc (09022015). Collection method: clinical testing. Allele origin: germline.
Comment: This sequence change replaces glutamic acid, which is acidic and polar, with lysine, which is basic and polar, at codon 1326 of the SAMD9L protein (p.Glu1326Lys). This variant is present in population databases (rs775595882, gnomAD 0.01%). This variant has not been reported in the literature in individuals affected with SAMD9L-related conditions. ClinVar contains an entry for this variant (Variation ID: 2879794). Invitae Evidence Modeling of protein sequence and biophysical properties (such as structural, functional, and spatial information, amino acid conservation, physicochemical variation, residue mobility, and thermodynamic stability) has been performed for this missense variant. However, the output from this modeling did not meet the statistical confidence thresholds required to predict the impact of this variant on SAMD9L protein function. In summary, the available evidence is currently insufficient to determine the role of this variant in disease. Therefore, it has been classified as a Variant of Uncertain Significance.

Ambry Genetics
Classification: Uncertain significance for Inborn genetic diseases. Last evaluated: 2025-12-04. Review status: criteria provided, single submitter. Criteria: Ambry Variant Classification Scheme 2023. Collection method: clinical testing. Allele origin: germline.